The following is an entry in ClinVar:

ClinVar aggregate classification (germline): Pathogenic/Likely pathogenic. Review status: criteria provided, multiple submitters, no conflicts (2 of 4 stars). 4 submissions from 4 submitters: Pathogenic (1); Likely pathogenic (3). Last evaluated 2026-02-09.

Conditions:
Inborn genetic diseases. Identifiers: MedGen C0950123, MeSH D030342.
Juvenile nephropathic cystinosis. Also called: Intermediate Cystinosis; CYSTINOSIS, LATE-ONSET JUVENILE OR ADOLESCENT NEPHROPATHIC TYPE; Later-Onset (Juvenile) Cystinosis. Identifiers: Orphanet 213, Orphanet 411634, MedGen C0268626, MONDO:0009066, OMIM 219900.
Ocular cystinosis. Also called: Non-Nephropathic Cystinosis; Non-Nephropathic (Ocular) Cystinosis. Identifiers: Orphanet 213, Orphanet 411641, MedGen C2931013, MONDO:0009064, OMIM 219750.
Nephropathic cystinosis (CTNS). Also called: Abderhalden Lignac Kaufmann disease; Abderhalden-Kaufmann-Lignac syndrome; CYSTINOSIN, DEFECT OF; LYSOSOMAL CYSTINE TRANSPORT PROTEIN, DEFECT OF. Identifiers: Orphanet 213, Orphanet 411629, MedGen C2931187, MONDO:0100151, OMIM 219800.
Cystinosis. Also called: Cystine diathesis; Cystine storage disease; Cystinoses. Identifiers: Orphanet 213, MedGen C4316899, MONDO:0016239.

Allele frequency attached by ClinVar (database versions not stated): ExAC 0.00001; gnomAD exomes 0.00003 and 0.00009; gnomAD 0.00004 and 0.00006; TOPMed 0.00006.
gnomAD v4.1: 143 of 1,609,564 alleles (0.0089%); highest among the groups gnomAD compares: Non-Finnish European, 0.011%; no homozygotes.

Submissions (4):

Genetics Laboratory, Great Ormond Street Hospital NHS Foundation Trust, North Thames Genomic Laboratory Hub
Classification: Likely pathogenic for Cystinosis. Last evaluated: 2026-02-09. Review status: criteria provided, single submitter. Criteria: ACGS Best Practice Guidelines for Variant Classification in Rare Disease 2024 v1.2. Collection method: clinical testing. Allele origin: germline. Affected: yes.
Comment: PM2_moderate, PP3_supporting, PM3_strong, PP4_moderate

Labcorp Genetics (formerly Invitae), Labcorp
Classification: Pathogenic for Inborn genetic diseases; Ocular cystinosis; Juvenile nephropathic cystinosis. Last evaluated: 2026-01-20. Review status: criteria provided, single submitter. Criteria: Invitae Variant Classification Sherloc (09022015). Collection method: clinical testing. Allele origin: germline.
Comment: This sequence change falls in intron 11 of the CTNS gene. It does not directly change the encoded amino acid sequence of the CTNS protein. It affects a nucleotide within the consensus splice site. This variant is present in population databases (rs753451110, gnomAD 0.005%). This variant has been observed in individual(s) with clinical features of cystinosis (internal data). In at least one individual the data is consistent with being in trans (on the opposite chromosome) from a pathogenic variant. It has also been observed to segregate with disease in related individuals. ClinVar contains an entry for this variant (Variation ID: 1451713). Variants that disrupt the consensus splice site are a relatively common cause of aberrant splicing (PMID: 17576681, 9536098). Algorithms developed to predict the effect of sequence changes on RNA splicing suggest that this variant may disrupt the consensus splice site. For these reasons, this variant has been classified as Pathogenic.

Women's Health and Genetics/Laboratory Corporation of America, LabCorp
Classification: Likely pathogenic for Nephropathic cystinosis. Last evaluated: 2025-04-19. Review status: criteria provided, single submitter. Criteria: LabCorp Variant Classification Summary - May 2015. Collection method: clinical testing. Allele origin: germline.
Comment: Variant summary: CTNS c.970+5G>A alters a conserved nucleotide located close to a canonical splice site and therefore could affect mRNA splicing, leading to a significantly altered protein sequence. Several computational tools predict a significant impact on normal splicing: Four predict the variant weakens the canonical 5' splicing donor site. However, these predictions have yet to be confirmed by functional studies. The variant allele was found at a frequency of 3.2e-05 in 250580 control chromosomes. c.970+5G>A has been observed as a biallelic genotype in individual(s) affected with clinical features of Nephropathic cystinosis at our laboratory (internal data). To our knowledge, no experimental evidence demonstrating an impact on protein function has been reported. ClinVar contains an entry for this variant (Variation ID: 1451713). Based on the evidence outlined above, the variant was classified as likely pathogenic.

Fulgent Genetics
Classification: Likely pathogenic for Ocular cystinosis; Nephropathic cystinosis; Juvenile nephropathic cystinosis. Last evaluated: 2024-03-30. Review status: criteria provided, single submitter. Criteria: ACMG Guidelines, 2015. Collection method: clinical testing. Allele origin: germline.

Literature cited by the submitters: PubMed 17576681 (cited by Labcorp Genetics (formerly Invitae), Labcorp); PubMed 9536098 (cited by Labcorp Genetics (formerly Invitae), Labcorp).

NM_004937.3(CTNS):c.970+5G>A

Gene: CTNS (cystinosin, lysosomal cystine transporter; plus strand). Cytogenetic location: 17p13.2.
Variant type: single nucleotide variant.
Coding change: c.970+5G>A on transcript NM_004937.3 (MANE Select); 5 bases into the intron after coding-DNA position 970, G replaced by A.
Molecular consequence: intron variant.
Genome position (GRCh38, 1-based): chr17:3,659,980, G>A. VCF-style: chr17-3659980-G-A. GRCh37 (hg19) VCF-style: chr17-3563274-G-A.
Other names: c.970+5G>A (NM_004937.2, NM_001031681.3, NM_001374492.1); c.529+5G>A (NM_001374493.1, NM_001374495.1, NM_001374494.1 and 1 more transcripts).
Identifiers: ClinVar variation 1451713 (VCV001451713.13), dbSNP rs753451110, ClinGen allele CA8291968.
Genomic context (GRCh38, chr17:3,659,980, plus strand): 5'-CTTCACCGGGGGCAGCTTCAGCCTCCTGCAGATGTTCCTCCAGTCCTACAACAACGGTGA[G>A]TCAGCCAGCGGGCTGCTGGCCACCCTGCGGCTGGGGCATCGGGCGGGGCCAGCCTTCCCG-3'